The following is an entry in ClinVar:

NM_000038.6(APC):c.730-2236C>A

Gene: APC (APC regulator of WNT signaling pathway; plus strand). Cytogenetic location: 5q22.2.
Variant type: single nucleotide variant.
Coding change: c.730-2236C>A on transcript NM_000038.6 (MANE Select); 2236 bases into the intron before coding-DNA position 730, C replaced by A.
Molecular consequence: intron variant.
Genome position (GRCh38, 1-based): chr5:112,799,043, C>A. VCF-style: chr5-112799043-C-A. GRCh37 (hg19) VCF-style: chr5-112134740-C-A.
Other names: c.730-2236C>A (NM_001354895.2, NM_001127510.3, NM_001354896.2 and 1 more transcripts); c.760-2236C>A (NM_001354897.2, NM_001354902.2); c.676-2236C>A (NM_001127511.3); c.655-2236C>A (NM_001354898.2, NM_001354904.2); c.-306-2236C>A (NM_001354906.2); c.646-2236C>A (NM_001354899.2); c.553-2236C>A (NM_001354900.2, NM_001354901.2, NM_001354905.2).
Identifiers: ClinVar variation 83027 (VCV000083027.2), dbSNP rs80347010, ClinGen allele CA013460.

ClinVar aggregate classification (germline): other (0 of 4 stars; one submission).

Conditions:
Familial colorectal cancer. Identifiers: MedGen CN280943, MONDO:0023113. Disease mechanism: loss of function.

Submission:

Systems Biology Platform Zhejiang California International NanoSystems Institute
Classification: other for Familial colorectal cancer. Review status: no assertion criteria provided. Collection method: not provided. Allele origin: unknown.
ClinVar note: Converted during submission from cancer to other.